The following is an entry in ClinVar:

ClinVar aggregate classification (germline): Uncertain significance (1 of 4 stars; one submission).

Conditions:
Familial thoracic aortic aneurysm and aortic dissection (TAAD). Also called: Thoracic aortic aneurysms and dissections. Identifiers: Orphanet 91387, MedGen C4707243, MONDO:0019625.

Allele frequency attached by ClinVar (database versions not stated): gnomAD exomes below 0.00001.
gnomAD v4.1: 1 of 1,614,216 alleles (0.000062%); highest among the groups gnomAD compares: East Asian, 0.0022%; no homozygotes.

Submission:

Ambry Genetics
Classification: Uncertain significance for Familial thoracic aortic aneurysm and aortic dissection. Last evaluated: 2020-10-16. Review status: criteria provided, single submitter. Criteria: Ambry Variant Classification Scheme 2023. Collection method: clinical testing. Allele origin: germline.
Comment: The p.L183F variant (also known as c.547C>T), located in coding exon 2 of the SLC2A10 gene, results from a C to T substitution at nucleotide position 547. The leucine at codon 183 is replaced by phenylalanine, an amino acid with highly similar properties. This amino acid position is not well conserved in available vertebrate species, and phenylalanine is the reference amino acid in other vertebrate species. In addition, this alteration is predicted to be tolerated by in silico analysis. Since supporting evidence is limited at this time, the clinical significance of this alteration remains unclear.

NM_030777.4(SLC2A10):c.547C>T (p.Leu183Phe)

Gene: SLC2A10 (solute carrier family 2 member 10; plus strand). Cytogenetic location: 20q13.12.
Variant type: single nucleotide variant.
Coding change: c.547C>T on transcript NM_030777.4 (MANE Select); coding-DNA position 547, C replaced by T.
Protein change: p.Leu183Phe; replaces leucine 183 with phenylalanine.
Molecular consequence: missense variant.
Genome position (GRCh38, 1-based): chr20:46,725,583, C>T. VCF-style: chr20-46725583-C-T. GRCh37 (hg19) VCF-style: chr20-45354222-C-T.
Other names: short protein forms L183F.
Identifiers: ClinVar variation 1747785 (VCV001747785.2), dbSNP rs1450552433, ClinGen allele CA409267227.
Genomic context (GRCh38, chr20:46,725,583, plus strand): 5'-GGATGGAGGCACATGTTCGGCTGGGCCACTGCACCTGCTGTCCTGCAATCCCTCAGCCTC[C>T]TCTTCCTCCCTGCTGGTACAGATGAGACTGCAACACACAAGGACCTCATCCCACTCCAGG-3'
Protein context (NP_110404.1, residues 173-193): APAVLQSLSL[Leu183Phe]FLPAGTDETA